The following is an entry in ClinVar:

ClinVar aggregate classification (germline): Likely benign (1 of 4 stars; one submission).

Allele frequency attached by ClinVar (database versions not stated): TOPMed below 0.00001.

Submission:

GeneDx
Classification: Likely benign. Last evaluated: 2017-03-20. Review status: criteria provided, single submitter. Criteria: GeneDx Variant Classification (06012015). Collection method: clinical testing. Allele origin: germline. Affected: yes.
Comment: This variant is considered likely benign or benign based on one or more of the following criteria: it is a conservative change, it occurs at a poorly conserved position in the protein, it is predicted to be benign by multiple in silico algorithms, and/or has population frequency not consistent with disease.

NM_001352514.2(HLCS):c.999G>A (p.Leu333=)

Gene: HLCS (holocarboxylase synthetase; minus strand). Cytogenetic location: 21q22.13.
Variant type: single nucleotide variant.
Coding change: c.999G>A on transcript NM_001352514.2 (MANE Select); coding-DNA position 999, G replaced by A.
Protein change: p.Leu333=; no amino-acid change (leucine 333 retained).
Molecular consequence: synonymous variant. On other transcripts: non-coding transcript variant (2).
Genome position (GRCh38, 1-based): chr21:36,936,887, C>T on the plus strand (G>A on the coding strand, the complement: HLCS is on the minus strand). VCF-style: chr21-36936887-C-T. GRCh37 (hg19) VCF-style: chr21-38309187-C-T.
Other names: c.558G>A, p.Leu186= (NM_000411.8, NM_001242784.3, NM_001242785.2 and 4 more transcripts).
Identifiers: ClinVar variation 507883 (VCV000507883.1), dbSNP rs1324605554, ClinGen allele CA512325878.
Genomic context (GRCh38, chr21:36,936,887, plus strand): 5'-GAGAGCACTGTCCTCCAGCAGGTGGTAGAGAATATAACTGTCAATGTCCACACAGTCGGC[C>T]AGCACAGACCGGACCTCGTGGAACCGGCCGAGGGCTTCCTGGGAGTCGGAGCCCACATAG-3'
Protein context (NP_001339443.1, residues 323-343): LGRFHEVRSV[Leu333=]ADCVDIDSYI